The following is an entry in ClinVar:

ClinVar aggregate classification (germline): Likely benign (0 of 4 stars; one submission).

Conditions:
MXRA8-related disorder. Also called: MXRA8-related condition.

Allele frequency attached by ClinVar (database versions not stated): ExAC 0.00061; ESP Exome Variant Server 0.00069.
gnomAD v4.1: 1,533 of 1,612,120 alleles (0.095%); highest among the groups gnomAD compares: Non-Finnish European, 0.12%; 5 homozygotes.

Submission:

PreventionGenetics, part of Exact Sciences
Classification: Likely benign for MXRA8-related condition. Last evaluated: 2019-03-20. Review status: no assertion criteria provided. Collection method: clinical testing. Allele origin: germline.
Comment: This variant is classified as likely benign based on ACMG/AMP sequence variant interpretation guidelines (Richards et al. 2015 PMID: 25741868, with internal and published modifications).

NM_032348.4(MXRA8):c.840C>A (p.Gly280=)

Gene: MXRA8 (matrix remodeling associated 8; minus strand). Cytogenetic location: 1p36.33.
Variant type: single nucleotide variant.
Coding change: c.840C>A on transcript NM_032348.4 (MANE Select); coding-DNA position 840, C replaced by A.
Protein change: p.Gly280=; no amino-acid change (glycine 280 retained).
Molecular consequence: synonymous variant.
Genome position (GRCh38, 1-based): chr1:1,354,791, G>T on the plus strand (C>A on the coding strand, the complement: MXRA8 is on the minus strand). VCF-style: chr1-1354791-G-T. GRCh37 (hg19) VCF-style: chr1-1290171-G-T.
Other names: c.840C>A, p.Gly280= (NM_001282582.2, NM_001282585.1); c.813C>A, p.Gly271= (NM_001282583.2); c.537C>A, p.Gly179= (NM_001282584.2).
Identifiers: ClinVar variation 3052237 (VCV003052237.2), dbSNP rs138606719, ClinGen allele CA521195.
Genomic context (GRCh38, chr1:1,354,791, plus strand): 5'-GGGGGGCGGCTCCGCGTGGGGTTCGGCGACCGTCAGGTGGAAGACGCGGCGTTCGTGCAG[G>T]CCACAGTAATGGTGGTGCAGGTGGCAGGAGTAGGTGCCCTCGTCGGCGACCTCCAGCGGC-3'
Protein context (NP_115724.1, residues 270-290): YSCHLHHHYC[Gly280=]LHERRVFHLT